The following is an entry in ClinVar:

ClinVar aggregate classification (germline): Pathogenic/Likely pathogenic. Review status: criteria provided, multiple submitters, no conflicts (2 of 4 stars). 2 submissions from 2 submitters: Pathogenic (1); Likely pathogenic (1). Last evaluated 2025-10-03.

Conditions:
ERCC6L2-related disorders.

Submissions (2):

Labcorp Genetics (formerly Invitae), Labcorp
Classification: Pathogenic. Last evaluated: 2025-10-03. Review status: criteria provided, single submitter. Criteria: Invitae Variant Classification Sherloc (09022015). Collection method: clinical testing. Allele origin: germline.
Comment: This sequence change creates a premature translational stop signal (p.Ala63Cysfs*16) in the ERCC6L2 gene. It is expected to result in an absent or disrupted protein product. Loss-of-function variants in ERCC6L2 are known to be pathogenic (PMID: 24507776, 27185855, 29146883, 29987015). This variant is present in population databases (no rsID available, gnomAD 0.003%). This variant has not been reported in the literature in individuals affected with ERCC6L2-related conditions. ClinVar contains an entry for this variant (Variation ID: 1415116). For these reasons, this variant has been classified as Pathogenic.

Blueprint Genetics
Classification: Likely pathogenic for ERCC6L2-related disorders. Last evaluated: 2024-07-25. Review status: criteria provided, single submitter. Criteria: ACMG Guidelines, 2015. Collection method: clinical testing. Allele origin: germline. Affected: yes. Observed: 4 variant alleles.

Literature cited by the submitters: PubMed 24507776 (cited by Labcorp Genetics (formerly Invitae), Labcorp); PubMed 27185855 (cited by Labcorp Genetics (formerly Invitae), Labcorp); PubMed 29146883 (cited by Labcorp Genetics (formerly Invitae), Labcorp); PubMed 29987015 (cited by Labcorp Genetics (formerly Invitae), Labcorp).

NM_020207.7(ERCC6L2):c.153dup (p.Ala52fs)

Gene: ERCC6L2 (ERCC excision repair 6 like 2; plus strand). Cytogenetic location: 9q22.32.
Variant type: Duplication.
Coding change: c.153dup on transcript NM_020207.7 (MANE Select); coding-DNA position 153, one base duplicated (T; older notation c.153dupT).
Protein change: p.Ala52fs; shifts the reading frame from alanine 52.
Molecular consequence: frameshift variant. On other transcripts: non-coding transcript variant (1).
Genome position (GRCh38, 1-based): chr9:95,880,975, T duplicated; the last of 3 consecutive T bases (chr9:95,880,973-95,880,975); duplicating any one gives the same sequence. VCF-style (leftmost placement, unchanged base first): chr9-95880972-A-AT. GRCh37 (hg19) VCF-style: chr9-98643254-A-AT.
Other names: c.153dup, p.Ala52fs (NM_001010895.4, NM_001375291.1, NM_001375292.1 and 2 more transcripts); short protein forms A52fs.
Identifiers: ClinVar variation 1415116 (VCV001415116.8), dbSNP rs918359479, ClinGen allele CA196549731.